The following is an entry in ClinVar:

ClinVar aggregate classification (germline): Likely benign (1 of 4 stars; one submission).

gnomAD v4.1: 8 of 1,613,338 alleles (0.0005%); highest among the groups gnomAD compares: Non-Finnish European, 0.00042%; no homozygotes.

Submission:

CeGaT Center for Human Genetics Tuebingen
Classification: Likely benign. Last evaluated: 2026-08-01. Review status: criteria provided, single submitter. Criteria: CeGaT Center For Human Genetics Tuebingen Variant Classification Criteria Version 2. Collection method: clinical testing. Allele origin: germline. Affected: yes. Observed: 1 variant allele.
Comment: IGF1R: BP4, BP7

NM_000875.5(IGF1R):c.2865G>A (p.Leu955=)

Gene: IGF1R (insulin like growth factor 1 receptor; plus strand). Cytogenetic location: 15q26.3.
Variant type: single nucleotide variant.
Coding change: c.2865G>A on transcript NM_000875.5 (MANE Select); coding-DNA position 2865, G replaced by A.
Protein change: p.Leu955=; no amino-acid change (leucine 955 retained).
Molecular consequence: synonymous variant.
Genome position (GRCh38, 1-based): chr15:98,929,640, G>A. VCF-style: chr15-98929640-G-A. GRCh37 (hg19) VCF-style: chr15-99472869-G-A.
Other names: c.2862G>A, p.Leu954= (NM_001291858.2).
Identifiers: ClinVar variation 5039880 (VCV005039880.1).